The following is an entry in ClinVar:

NM_001042492.3(NF1):c.3561del (p.Gln1188fs)

Gene: NF1 (neurofibromin 1; plus strand). Cytogenetic location: 17q11.2.
Variant type: Deletion.
Coding change: c.3561del on transcript NM_001042492.3 (MANE Select); coding-DNA position 3561, one base deleted (T; older notation c.3561delT).
Protein change: p.Gln1188fs; shifts the reading frame from glutamine 1188.
Molecular consequence: frameshift variant.
Genome position (GRCh38, 1-based): chr17:31,233,066, T deleted; the last of 2 consecutive T bases (chr17:31,233,065-31,233,066); deleting either gives the same sequence. VCF-style (leftmost placement, unchanged base first): chr17-31233064-CT-C. GRCh37 (hg19) VCF-style: chr17-29560082-CT-C.
Other names: c.3561delT, p.Gln1188Asnfs (NM_000267.4); short protein forms Q1188fs.
Identifiers: ClinVar variation 2820233 (VCV002820233.3), dbSNP rs2508238309, ClinGen allele CA2739267379.
Genomic context (GRCh38, chr17:31,233,064, plus strand): 5'-TTAGGTTACCACAAGGATCTCCAGACAAGAGCTACATTTATGGAAGTTCTGACAAAAATC[CT>C]TCAACAAGGCACAGAATTTGACACACTTGCAGAAACAGTATTGGCTGATCGGTTTGAGAG-3'

ClinVar aggregate classification (germline): Pathogenic (1 of 4 stars; one submission).

Conditions:
Neurofibromatosis, type 1 (NF1). Also called: VON RECKLINGHAUSEN DISEASE; Peripheral type neurofibromatosis; Neurofibromatosis, type I; NEUROFIBROMATOSIS, TYPE I, SOMATIC. Identifiers: Orphanet 636, MedGen C0027831, MONDO:0018975, OMIM 162200. Disease mechanism: loss of function.

Submission:

Labcorp Genetics (formerly Invitae), Labcorp
Classification: Pathogenic for Neurofibromatosis, type 1. Last evaluated: 2022-12-12. Review status: criteria provided, single submitter. Criteria: Invitae Variant Classification Sherloc (09022015). Collection method: clinical testing. Allele origin: germline.
Comment: For these reasons, this variant has been classified as Pathogenic. This variant has not been reported in the literature in individuals affected with NF1-related conditions. This variant is not present in population databases (gnomAD no frequency). This sequence change creates a premature translational stop signal (p.Gln1188Asnfs*27) in the NF1 gene. It is expected to result in an absent or disrupted protein product. Loss-of-function variants in NF1 are known to be pathogenic (PMID: 10712197, 23913538).

Literature cited by the submitters: PubMed 10712197; PubMed 23913538.